The following is an entry in ClinVar:

NM_015404.4(WHRN):c.1075G>A (p.Val359Ile)

Gene: WHRN (whirlin; minus strand). Cytogenetic location: 9q32.
Variant type: single nucleotide variant.
Coding change: c.1075G>A on transcript NM_015404.4 (MANE Select); coding-DNA position 1075, G replaced by A.
Protein change: p.Val359Ile; replaces valine 359 with isoleucine.
Molecular consequence: missense variant. On other transcripts: 5 prime UTR variant (1).
Genome position (GRCh38, 1-based): chr9:114,426,302, C>T on the plus strand (G>A on the coding strand, the complement: WHRN is on the minus strand). VCF-style: chr9-114426302-C-T. GRCh37 (hg19) VCF-style: chr9-117188582-C-T.
Other names: c.-75G>A (NM_001083885.3); c.1075G>A, p.Val359Ile (NM_001173425.2); short protein forms V359I.
Identifiers: ClinVar variation 288922 (VCV000288922.28), dbSNP rs147500559, ClinGen allele CA5206087.

ClinVar aggregate classification (germline): Conflicting classifications of pathogenicity. Review status: criteria provided, conflicting classifications (1 of 4 stars). 8 submissions from 7 submitters: Uncertain significance (2); Likely benign (5). 1 of the submissions does not count toward it. Last evaluated 2026-01-26.

Conditions:
WHRN-related disorder. Also called: WHRN-related condition.
Autosomal recessive nonsyndromic hearing loss 31. Also called: WHIRLER, MOUSE, HOMOLOG OF. Identifiers: Orphanet 90636, MedGen C1846839, MONDO:0011767, OMIM 607084.
Usher syndrome type 2D. Also called: USHER SYNDROME, TYPE IID. Identifiers: Orphanet 231178, Orphanet 886, MedGen C1568249, MONDO:0012662, OMIM 611383.

Allele frequency attached by ClinVar (database versions not stated): gnomAD exomes 0.00028; ESP Exome Variant Server 0.00031; ExAC 0.00036; gnomAD 0.00053 and 0.00056; TOPMed 0.00062; 1000 Genomes Project 30x 0.00172; 1000 Genomes Project 0.00200.
gnomAD v4.1: 270 of 1,613,780 alleles (0.017%); highest among the groups gnomAD compares: African/African-American, 0.19%; 1 homozygote.

Submissions (8):

Labcorp Genetics (formerly Invitae), Labcorp
Classification: Likely benign. Last evaluated: 2026-01-26. Review status: criteria provided, single submitter. Criteria: Invitae Variant Classification Sherloc (09022015). Collection method: clinical testing. Allele origin: germline.

Blueprint Genetics
Classification: Likely benign. Last evaluated: 2024-10-15. Review status: criteria provided, single submitter. Criteria: ACMG Guidelines, 2015. Collection method: clinical testing. Allele origin: germline.

GeneDx
Classification: Likely benign. Last evaluated: 2020-10-13. Review status: criteria provided, single submitter. Criteria: GeneDx Variant Classification Process June 2021. Collection method: clinical testing. Allele origin: germline. Affected: yes.

Illumina Laboratory Services, Illumina
Classification: Uncertain significance for Usher syndrome type 2D. Last evaluated: 2018-01-13. Review status: criteria provided, single submitter. Criteria: ICSL Variant Classification Criteria 13 December 2019. Collection method: clinical testing. Allele origin: germline.

Illumina Laboratory Services, Illumina
Classification: Uncertain significance for Autosomal recessive nonsyndromic hearing loss 31. Last evaluated: 2018-01-13. Review status: criteria provided, single submitter. Criteria: ICSL Variant Classification Criteria 13 December 2019. Collection method: clinical testing. Allele origin: germline.

Eurofins Ntd Llc (ga)
Classification: Likely benign. Last evaluated: 2016-07-15. Review status: criteria provided, single submitter. Criteria: EGL Classification Definitions 2015. Collection method: clinical testing. Allele origin: germline. Observed: 1 variant allele, 1 heterozygote.

Laboratory for Molecular Medicine, Mass General Brigham Personalized Medicine
Classification: Likely benign. Last evaluated: 2016-06-21. Review status: criteria provided, single submitter. Criteria: LMM Criteria. Collection method: clinical testing. Allele origin: germline. Observed: 1 variant allele.
Comment: p.Val359Ile in exon 4 of DFNB31: This variant is not expected to have clinical s ignificance due to a lack of conservation across species, including mammals. Of note, three mammals (cow, hedgehog, and platypus) have an isoleucine (Ile) at th is position despite high nearby amino acid conservation. In addition, computatio nal prediction tools do not suggest a high likelihood of impact to the protein. This variant has been identified in 0.2% (21/10300) of African chromosomes by th e Exome Aggregation Consortium (ExAC; dbSNP rs14 7500559).

PreventionGenetics, part of Exact Sciences
Classification: Likely benign for WHRN-related condition. Last evaluated: 2022-07-11. Review status: no assertion criteria provided. Collection method: clinical testing. Allele origin: germline. Not counted in ClinVar's aggregate classification.
Comment: This variant is classified as likely benign based on ACMG/AMP sequence variant interpretation guidelines (Richards et al. 2015 PMID: 25741868, with internal and published modifications).